The following is an entry in ClinVar:

ClinVar aggregate classification (germline): Conflicting classifications of pathogenicity. Review status: criteria provided, conflicting classifications (1 of 4 stars). 4 submissions from 4 submitters: Uncertain significance (3); Likely benign (1). Last evaluated 2025-02-24.

Allele frequency attached by ClinVar (database versions not stated): TOPMed 0.00005; gnomAD 0.00005.
gnomAD v4.1: 63 of 1,550,566 alleles (0.0041%); highest among the groups gnomAD compares: Non-Finnish European, 0.0053%; no homozygotes.

Submissions (4):

Labcorp Genetics (formerly Invitae), Labcorp
Classification: Uncertain significance. Last evaluated: 2025-02-24. Review status: criteria provided, single submitter. Criteria: Invitae Variant Classification Sherloc (09022015). Collection method: clinical testing. Allele origin: germline.
Comment: This sequence change replaces proline, which is neutral and non-polar, with threonine, which is neutral and polar, at codon 325 of the OTOG protein (p.Pro325Thr). This variant is present in population databases (rs777809121, gnomAD 0.007%). This variant has not been reported in the literature in individuals affected with OTOG-related conditions. ClinVar contains an entry for this variant (Variation ID: 500840). An algorithm developed to predict the effect of missense changes on protein structure and function outputs the following: PolyPhen-2: "Benign". The threonine amino acid residue is found in multiple mammalian species, which suggests that this missense change does not adversely affect protein function. In summary, the available evidence is currently insufficient to determine the role of this variant in disease. Therefore, it has been classified as a Variant of Uncertain Significance.

GeneDx
Classification: Uncertain significance. Last evaluated: 2020-07-31. Review status: criteria provided, single submitter. Criteria: GeneDx Variant Classification Process June 2021. Collection method: clinical testing. Allele origin: germline. Affected: yes.
Comment: In silico analysis, which includes protein predictors and evolutionary conservation, supports that this variant does not alter protein structure/function; Has not been previously published as pathogenic or benign to our knowledge

Eurofins Ntd Llc (ga)
Classification: Uncertain significance. Last evaluated: 2017-03-31. Review status: criteria provided, single submitter. Criteria: EGL Classification Definitions 2015. Collection method: clinical testing. Allele origin: germline. Observed: 1 variant allele, 1 heterozygote.

Laboratory for Molecular Medicine, Mass General Brigham Personalized Medicine
Classification: Likely benign. Last evaluated: 2017-02-02. Review status: criteria provided, single submitter. Criteria: LMM Criteria. Collection method: clinical testing. Allele origin: germline. Observed: 1 variant allele.
Comment: p.Pro325Thr in exon 8 of OTOG: This variant is not expected to have clinical sig nificance due to a lack of conservation across species, including mammals. Of no te, naked mole rat, bush tailed rat and guinea pig have a threonine (Thr) at thi s position despite nearby amino acid sequence conservation. In addition, computa tional prediction tools do not suggest a high likelihood of impact to the protei n. It has been identified in 5/67340 European chromosomes by the Genome Aggregat ion Database (gnomAD).

NM_001292063.2(OTOG):c.937C>A (p.Pro313Thr)

Gene: OTOG (otogelin; plus strand). Cytogenetic location: 11p15.1.
Variant type: single nucleotide variant.
Coding change: c.937C>A on transcript NM_001292063.2 (MANE Select); coding-DNA position 937, C replaced by A.
Protein change: p.Pro313Thr; replaces proline 313 with threonine.
Molecular consequence: missense variant.
Genome position (GRCh38, 1-based): chr11:17,558,256, C>A. VCF-style: chr11-17558256-C-A. GRCh37 (hg19) VCF-style: chr11-17579803-C-A.
Other names: c.973C>A, p.Pro325Thr (NM_001277269.2); short protein forms P325T, P313T.
Identifiers: ClinVar variation 500840 (VCV000500840.18), dbSNP rs777809121, ClinGen allele CA218495043.